The following is an entry in ClinVar:

ClinVar aggregate classification (germline): Uncertain significance (1 of 4 stars; one submission).

Conditions:
Mitochondrial hypertrophic cardiomyopathy with lactic acidosis due to MTO1 deficiency. Also called: CARDIOMYOPATHY, INFANTILE HYPERTROPHIC MITOCHONDRIAL, AND LACTIC ACIDOSIS; Combined oxidative phosphorylation deficiency 10. Identifiers: Orphanet 314637, MedGen C4749921, MONDO:0013865, OMIM 614702.

Allele frequency attached by ClinVar (database versions not stated): gnomAD exomes below 0.00001; gnomAD 0.00001; TOPMed 0.00002.
gnomAD v4.1: 2 of 1,613,986 alleles (0.00012%); highest among the groups gnomAD compares: Non-Finnish European, 0.00017%; no homozygotes.

Submission:

Labcorp Genetics (formerly Invitae), Labcorp
Classification: Uncertain significance for Mitochondrial hypertrophic cardiomyopathy with lactic acidosis due to MTO1 deficiency. Last evaluated: 2022-07-05. Review status: criteria provided, single submitter. Criteria: Invitae Variant Classification Sherloc (09022015). Collection method: clinical testing. Allele origin: germline.
Comment: This sequence change replaces alanine, which is neutral and non-polar, with threonine, which is neutral and polar, at codon 47 of the MTO1 protein (p.Ala47Thr). This variant is not present in population databases (gnomAD no frequency). This variant has not been reported in the literature in individuals affected with MTO1-related conditions. ClinVar contains an entry for this variant (Variation ID: 1345545). Algorithms developed to predict the effect of missense changes on protein structure and function are either unavailable or do not agree on the potential impact of this missense change (SIFT: "Deleterious"; PolyPhen-2: "Probably Damaging"; Align-GVGD: "Class C0"). In summary, the available evidence is currently insufficient to determine the role of this variant in disease. Therefore, it has been classified as a Variant of Uncertain Significance.

NM_012123.4(MTO1):c.139G>A (p.Ala47Thr)

Gene: MTO1 (mitochondrial tRNA translation optimization 1; plus strand). Cytogenetic location: 6q13.
Variant type: single nucleotide variant.
Coding change: c.139G>A on transcript NM_012123.4 (MANE Select); coding-DNA position 139, G replaced by A.
Protein change: p.Ala47Thr; replaces alanine 47 with threonine.
Molecular consequence: missense variant.
Genome position (GRCh38, 1-based): chr6:73,461,993, G>A. VCF-style: chr6-73461993-G-A. GRCh37 (hg19) VCF-style: chr6-74171716-G-A.
Other names: c.139G>A, p.Ala47Thr (NM_001123226.2, NM_133645.3); short protein forms A47T.
Identifiers: ClinVar variation 1345545 (VCV001345545.3), dbSNP rs1049905319, ClinGen allele CA140948731.